The following is an entry in ClinVar:

NM_015506.3(MMACHC):c.460T>C (p.Phe154Leu)

Gene: MMACHC (metabolism of cobalamin associated C; plus strand). Cytogenetic location: 1p34.1.
Variant type: single nucleotide variant.
Coding change: c.460T>C on transcript NM_015506.3 (MANE Select); coding-DNA position 460, T replaced by C.
Protein change: p.Phe154Leu; replaces phenylalanine 154 with leucine.
Molecular consequence: missense variant.
Genome position (GRCh38, 1-based): chr1:45,508,826, T>C. VCF-style: chr1-45508826-T-C. GRCh37 (hg19) VCF-style: chr1-45974498-T-C.
Other names: c.460T>C (NM_015506.2); c.289T>C, p.Phe97Leu (NM_001330540.2); short protein forms F97L, F154L.
Identifiers: ClinVar variation 2182102 (VCV002182102.5), dbSNP rs1643677261, ClinGen allele CA340133082.

ClinVar aggregate classification (germline): Uncertain significance. Review status: criteria provided, multiple submitters, no conflicts (2 of 4 stars). 2 submissions from 2 submitters: Uncertain significance (2). Last evaluated 2025-04-10.

Conditions:
Inborn genetic diseases. Identifiers: MedGen C0950123, MeSH D030342.
Cobalamin C disease. Also called: Methylmalonic aciduria and homocystinuria, Vitamin B12-responsive; Vitamin B12 metabolic defect with combined deficiency of methylmalonyl-CoA mutase and homocysteine:methyltetrahydrofolate methyltransferase; methylmalonic aciduria and homocystinuria type cblC; Methylmalonic aciduria with homocystinuria cblC type; Cobalamin-C methylmalonic acidemia and homocystinuria; Methylmalonic acidemia and homocystinuria cblC type. Identifiers: Orphanet 26, Orphanet 79282, MedGen C1848561, MONDO:0010184, OMIM 277400.

Allele frequency attached by ClinVar (database versions not stated): TOPMed below 0.00001.

Submissions (2):

Ambry Genetics
Classification: Uncertain significance for Inborn genetic diseases. Last evaluated: 2025-04-10. Review status: criteria provided, single submitter. Criteria: Ambry Variant Classification Scheme 2023. Collection method: clinical testing. Allele origin: germline.

Labcorp Genetics (formerly Invitae), Labcorp
Classification: Uncertain significance for Cobalamin C disease. Last evaluated: 2024-10-29. Review status: criteria provided, single submitter. Criteria: Invitae Variant Classification Sherloc (09022015). Collection method: clinical testing. Allele origin: germline.
Comment: This sequence change replaces phenylalanine, which is neutral and non-polar, with leucine, which is neutral and non-polar, at codon 154 of the MMACHC protein (p.Phe154Leu). This variant is not present in population databases (gnomAD no frequency). This variant has not been reported in the literature in individuals affected with MMACHC-related conditions. ClinVar contains an entry for this variant (Variation ID: 2182102). Invitae Evidence Modeling of protein sequence and biophysical properties (such as structural, functional, and spatial information, amino acid conservation, physicochemical variation, residue mobility, and thermodynamic stability) has been performed for this missense variant. However, the output from this modeling did not meet the statistical confidence thresholds required to predict the impact of this variant on MMACHC protein function. In summary, the available evidence is currently insufficient to determine the role of this variant in disease. Therefore, it has been classified as a Variant of Uncertain Significance.